The following is an entry in ClinVar:

NM_021815.5(SLC5A7):c.716C>T (p.Ser239Phe)

Gene: SLC5A7 (solute carrier family 5 member 7; plus strand). Cytogenetic location: 2q12.3.
Variant type: single nucleotide variant.
Coding change: c.716C>T on transcript NM_021815.5 (MANE Select); coding-DNA position 716, C replaced by T.
Protein change: p.Ser239Phe; replaces serine 239 with phenylalanine.
Molecular consequence: missense variant. On other transcripts: 5 prime UTR variant (1).
Genome position (GRCh38, 1-based): chr2:108,002,015, C>T. VCF-style: chr2-108002015-C-T. GRCh37 (hg19) VCF-style: chr2-108618471-C-T.
Other names: c.716C>T, p.Ser239Phe (NM_001305005.3); c.401C>T, p.Ser134Phe (NM_001305006.3); c.-26C>T (NM_001305007.3); short protein forms S239F, S134F.
Identifiers: ClinVar variation 566845 (VCV000566845.7), dbSNP rs778161682, ClinGen allele CA1819034.
Genomic context (GRCh38, chr2:108,002,015, plus strand): 5'-CTGTGCATGCCAAATACCAAAAGCCGTGGCTGGGAACTGTTGACTCATCTGAAGTCTACT[C>T]TTGGCTTGATAGTTTTCTGTTGTTGGTAAGTAATGCTCTTACCTGAAGAATGTGATTTAA-3'
Protein context (NP_068587.1, residues 229-249): LGTVDSSEVY[Ser239Phe]WLDSFLLLML

ClinVar aggregate classification (germline): Uncertain significance. Review status: criteria provided, multiple submitters, no conflicts (2 of 4 stars). 2 submissions from 2 submitters: Uncertain significance (2). Last evaluated 2025-08-28.

Conditions:
Neuronopathy, distal hereditary motor, type 7A. Also called: SPINAL MUSCULAR ATROPHY, DISTAL, WITH VOCAL CORD PARALYSIS; Neuronopathy, distal hereditary motor, type viia; HARPER-YOUNG MYOPATHY; HMN VIIA; NEURONOPATHY, DISTAL HEREDITARY MOTOR, HARDING TYPE VIIA; NEUROPATHY, DISTAL HEREDITARY MOTOR, HARDING TYPE VIIA. Identifiers: Orphanet 139589, MedGen C1834703, MONDO:0008024, OMIM 158580.
Congenital myasthenic syndrome 20. Also called: Myasthenic syndrome, congenital, 20, presynaptic. Identifiers: MedGen C4310694, MONDO:0014939, OMIM 617143.
Inborn genetic diseases. Identifiers: MedGen C0950123, MeSH D030342.

Allele frequency attached by ClinVar (database versions not stated): gnomAD exomes below 0.00001 and 0.00001; gnomAD 0.00001; ExAC 0.00002.
gnomAD v4.1: 2 of 1,614,022 alleles (0.00012%); highest among the groups gnomAD compares: East Asian, 0.0022%; no homozygotes.

Submissions (2):

Ambry Genetics
Classification: Uncertain significance for Inborn genetic diseases. Last evaluated: 2025-08-28. Review status: criteria provided, single submitter. Criteria: Ambry Variant Classification Scheme 2023. Collection method: clinical testing. Allele origin: germline.

Labcorp Genetics (formerly Invitae), Labcorp
Classification: Uncertain significance for Neuronopathy, distal hereditary motor, type 7A; Congenital myasthenic syndrome 20. Last evaluated: 2022-07-20. Review status: criteria provided, single submitter. Criteria: Invitae Variant Classification Sherloc (09022015). Collection method: clinical testing. Allele origin: germline.
Comment: In summary, the available evidence is currently insufficient to determine the role of this variant in disease. Therefore, it has been classified as a Variant of Uncertain Significance. Algorithms developed to predict the effect of missense changes on protein structure and function (SIFT, PolyPhen-2, Align-GVGD) all suggest that this variant is likely to be tolerated. ClinVar contains an entry for this variant (Variation ID: 566845). This variant has not been reported in the literature in individuals affected with SLC5A7-related conditions. This variant is present in population databases (rs778161682, gnomAD 0.02%). This sequence change replaces serine, which is neutral and polar, with phenylalanine, which is neutral and non-polar, at codon 239 of the SLC5A7 protein (p.Ser239Phe).